The following is an entry in ClinVar:

NM_003072.5(SMARCA4):c.4338G>A (p.Pro1446=)

Gene: SMARCA4 (SWI/SNF related BAF chromatin remodeling complex subunit ATPase 4; plus strand). Cytogenetic location: 19p13.2.
Variant type: single nucleotide variant.
Coding change: c.4338G>A on transcript NM_003072.5 (MANE Select); coding-DNA position 4338, G replaced by A.
Protein change: p.Pro1446=; no amino-acid change (proline 1446 retained).
Molecular consequence: synonymous variant. On other transcripts: non-coding transcript variant (1).
Genome position (GRCh38, 1-based): chr19:11,041,474, G>A. VCF-style: chr19-11041474-G-A. GRCh37 (hg19) VCF-style: chr19-11152150-G-A.
Other names: c.4338G>A, p.Pro1446= (NM_001128844.3); c.4248G>A, p.Pro1416= (NM_001128845.2, NM_001128846.2); c.4239G>A, p.Pro1413= (NM_001128847.4, NM_001128848.2, NM_001374457.1); c.4434G>A, p.Pro1478= (NM_001128849.3, NM_001387283.1).
Identifiers: ClinVar variation 238472 (VCV000238472.43), dbSNP rs768651929, ClinGen allele CA9204707.

ClinVar aggregate classification (germline): Benign/Likely benign. Review status: criteria provided, multiple submitters, no conflicts (2 of 4 stars). 4 submissions from 4 submitters: Benign (1); Likely benign (3). Last evaluated 2026-07-22.

Conditions:
Hereditary cancer-predisposing syndrome. Also called: Hereditary Cancer Syndrome; Tumor predisposition; Hereditary neoplastic syndrome; Neoplastic Syndromes, Hereditary. Identifiers: Orphanet 140162, MedGen C0027672, MeSH D009386, MONDO:0015356.
Rhabdoid tumor predisposition syndrome 2 (RTPS2). Identifiers: Orphanet 231108, Orphanet 69077, MedGen C2750074, MONDO:0013224, OMIM 613325.

Allele frequency attached by ClinVar (database versions not stated): gnomAD 0.00001 and 0.00002; gnomAD exomes 0.00001; TOPMed 0.00002.
gnomAD v4.1: 19 of 1,608,966 alleles (0.0012%); highest among the groups gnomAD compares: Middle Eastern, 0.016%; no homozygotes.

Submissions (4):

Myriad Genetics, Inc.
Classification: Benign for Rhabdoid tumor predisposition syndrome 2. Last evaluated: 2026-07-22. Review status: criteria provided, single submitter. Criteria: Myriad Autosomal Dominant, Autosomal Recessive and X-Linked Classification Criteria (2023). Collection method: clinical testing. Allele origin: unknown.
Comment: This variant is considered benign. This variant is a silent/synonymous amino acid change and it is not expected to impact splicing.

Labcorp Genetics (formerly Invitae), Labcorp
Classification: Likely benign for Rhabdoid tumor predisposition syndrome 2. Last evaluated: 2025-10-21. Review status: criteria provided, single submitter. Criteria: Invitae Variant Classification Sherloc (09022015). Collection method: clinical testing. Allele origin: germline.

CeGaT Center for Human Genetics Tuebingen
Classification: Likely benign. Last evaluated: 2023-03-01. Review status: criteria provided, single submitter. Criteria: CeGaT Center For Human Genetics Tuebingen Variant Classification Criteria Version 2. Collection method: clinical testing. Allele origin: germline. Affected: yes. Observed: 1 variant allele.
Comment: SMARCA4: BP4, BP7

Ambry Genetics
Classification: Likely benign for Hereditary cancer-predisposing syndrome. Last evaluated: 2018-05-09. Review status: criteria provided, single submitter. Criteria: Ambry Variant Classification Scheme 2023. Collection method: clinical testing. Allele origin: germline.